The following is an entry in ClinVar:

ClinVar aggregate classification (germline): Likely benign. Review status: criteria provided, multiple submitters, no conflicts (2 of 4 stars). 4 submissions from 4 submitters: Likely benign (4). Last evaluated 2024-07-20.

Conditions:
Cardiovascular phenotype. Identifiers: MedGen CN230736.
Arrhythmogenic right ventricular cardiomyopathy (ARVD). Also called: Arrhythmogenic right ventricular dysplasia; Arrhythmogenic Right Ventricular Cardiomyopathy (ARVC); Arrhythmogenic cardiomyopathy; Cardiomyopathy, ARVC. Identifiers: Orphanet 247, MedGen C0349788, MeSH D019571, MONDO:0016587. Disease mechanism: loss of function. Inheritance: Various modes of inheritance.
Cardiomyopathy (CMYO). Also called: Cardiomyopathies. Identifiers: Orphanet 167848, MedGen C0878544, MONDO:0004994, HP:0001638. Inheritance: Various modes of inheritance.

Allele frequency attached by ClinVar (database versions not stated): gnomAD exomes below 0.00001 and 0.00001; TOPMed below 0.00001; ExAC 0.00001; gnomAD 0.00001.
gnomAD v4.1: 4 of 1,614,038 alleles (0.00025%); highest among the groups gnomAD compares: Non-Finnish European, 0.00034%; no homozygotes.

Submissions (4):

All of Us Research Program, National Institutes of Health
Classification: Likely benign for Arrhythmogenic right ventricular cardiomyopathy. Last evaluated: 2024-07-20. Review status: criteria provided, single submitter. Criteria: ACMG Guidelines, 2015. Collection method: clinical testing. Allele origin: germline. Inheritance: Autosomal dominant inheritance. Observed: 3 variant alleles, 3 heterozygotes.
Comment: This study involves interpretation of variants in research participants for the purpose of population health screening. Participant phenotype was not available at the time of variant classification. Additional details can be found in publication PMID: 35346344, PMCID: PMC8962531

Blueprint Genetics
Classification: Likely benign. Last evaluated: 2023-07-19. Review status: criteria provided, single submitter. Criteria: ACMG Guidelines, 2015. Collection method: clinical testing. Allele origin: germline.

Color Diagnostics, LLC DBA Color Health
Classification: Likely benign for Cardiomyopathy. Last evaluated: 2021-04-29. Review status: criteria provided, single submitter. Criteria: ACMG Guidelines, 2015. Collection method: clinical testing. Allele origin: germline.

Ambry Genetics
Classification: Likely benign for Cardiovascular phenotype. Last evaluated: 2020-07-29. Review status: criteria provided, single submitter. Criteria: Ambry Variant Classification Scheme 2023. Collection method: clinical testing. Allele origin: germline.

NM_001005242.3(PKP2):c.2046G>A (p.Gln682=)

Gene: PKP2 (plakophilin 2; minus strand). Cytogenetic location: 12p11.21.
Variant type: single nucleotide variant.
Coding change: c.2046G>A on transcript NM_001005242.3 (MANE Select); coding-DNA position 2046, G replaced by A.
Protein change: p.Gln682=; no amino-acid change (glutamine 682 retained).
Molecular consequence: synonymous variant.
Genome position (GRCh38, 1-based): chr12:32,802,524, C>T on the plus strand (G>A on the coding strand, the complement: PKP2 is on the minus strand). VCF-style: chr12-32802524-C-T. GRCh37 (hg19) VCF-style: chr12-32955458-C-T.
Other names: c.2178G>A, p.Gln726= (NM_004572.4).
Identifiers: ClinVar variation 1331848 (VCV001331848.7), dbSNP rs772622598, ClinGen allele CA033299.
Genomic context (GRCh38, chr12:32,802,524, plus strand): 5'-TTTCACACTTGGGTCACCAACATGCAGCATCTTTCGGGTGTGCTGCAGGCCACTTTCCTT[C>T]TGGACAACTGTCTGAGCCACTGATGTCGGCATCTGTTTTGTGAGACATATCCTATAAGTG-3'
Protein context (NP_001005242.2, residues 672-692): MPTSVAQTVV[Gln682=]KESGLQHTRK